The following is an entry in ClinVar:

ClinVar aggregate classification (germline): Benign (1 of 4 stars; one submission).

Conditions:
Papillary renal cell carcinoma type 1 (RCCP1). Also called: Renal adenocarcinoma; Renal cell carcinoma 1; Renal cell carcinoma, somatic; RENAL CELL CARCINOMA, PAPILLARY, 1, SOMATIC. Identifiers: Orphanet 47044, MedGen C1336839, OMIM 605074, HP:0011797.

gnomAD v4.1: 1 of 1,614,038 alleles (0.000062%); highest among the groups gnomAD compares: Non-Finnish European, 0.000085%; no homozygotes.

Submission:

Myriad Genetics, Inc.
Classification: Benign for Papillary renal cell carcinoma type 1. Last evaluated: 2024-11-13. Review status: criteria provided, single submitter. Criteria: Myriad Autosomal Dominant, Autosomal Recessive and X-Linked Classification Criteria (2023). Collection method: clinical testing. Allele origin: unknown.
Comment: This variant is considered benign. This variant is a silent/synonymous amino acid change and it is not expected to impact splicing.

NM_000245.4(MET):c.3219C>G (p.Pro1073=)

Gene: MET (MET proto-oncogene, receptor tyrosine kinase; plus strand). Cytogenetic location: 7q31.2.
Variant type: single nucleotide variant.
Coding change: c.3219C>G on transcript NM_000245.4 (MANE Select); coding-DNA position 3219, C replaced by G.
Protein change: p.Pro1073=; no amino-acid change (proline 1073 retained).
Molecular consequence: synonymous variant.
Genome position (GRCh38, 1-based): chr7:116,775,071, C>G. VCF-style: chr7-116775071-C-G. GRCh37 (hg19) VCF-style: chr7-116415125-C-G.
Other names: c.3273C>G, p.Pro1091= (NM_001127500.3); c.1929C>G, p.Pro643= (NM_001324402.2).
Identifiers: ClinVar variation 3773009 (VCV003773009.1).